The following is an entry in ClinVar:

NM_001348323.3(TRIP12):c.3157C>A (p.Pro1053Thr)

Gene: TRIP12 (thyroid hormone receptor interactor 12; minus strand). Cytogenetic location: 2q36.3.
Variant type: single nucleotide variant.
Coding change: c.3157C>A on transcript NM_001348323.3 (MANE Select); coding-DNA position 3157, C replaced by A.
Protein change: p.Pro1053Thr; replaces proline 1053 with threonine.
Molecular consequence: missense variant.
Genome position (GRCh38, 1-based): chr2:229,802,301, G>T on the plus strand (C>A on the coding strand, the complement: TRIP12 is on the minus strand). VCF-style: chr2-229802301-G-T. GRCh37 (hg19) VCF-style: chr2-230667017-G-T.
Other names: c.3076C>A, p.Pro1026Thr (NM_001284214.2, NM_001348315.2); c.3031C>A, p.Pro1011Thr (NM_001284215.2, NM_001348316.2, NM_001348317.1 and 1 more transcripts); c.2122C>A, p.Pro708Thr (NM_001284216.2); c.3157C>A, p.Pro1053Thr (NM_001348319.1, NM_001348320.2, NM_001348322.1 and 4 more transcripts); c.3160C>A, p.Pro1054Thr (NM_001348321.1, NM_001348328.1, NM_001348329.2 and 1 more transcripts); c.2950C>A, p.Pro984Thr (NM_001348331.1); c.3070C>A, p.Pro1024Thr (NM_001348332.1); c.3079C>A, p.Pro1027Thr (NM_001348333.1); and 1 more; short protein forms P1011T, P1024T, P1026T, P1027T, P1053T, P1054T, P708T, P978T.
Identifiers: ClinVar variation 4976081 (VCV004976081.1).

ClinVar aggregate classification (germline): Uncertain significance (1 of 4 stars; one submission).

Submission:

GeneDx
Classification: Uncertain significance. Last evaluated: 2026-02-03. Review status: criteria provided, single submitter. Criteria: GeneDx Variant Classification Process June 2021. Collection method: clinical testing. Allele origin: germline.
Comment: Not observed at significant frequency in large population cohorts (gnomAD); In silico analysis suggests that this missense variant does not alter protein structure/function; Has not been previously published as pathogenic or benign to our knowledge